The following is an entry in ClinVar:

NM_000548.5(TSC2):c.3440C>A (p.Ser1147Tyr)

Gene: TSC2 (TSC complex subunit 2; plus strand). Cytogenetic location: 16p13.3.
Variant type: single nucleotide variant.
Coding change: c.3440C>A on transcript NM_000548.5 (MANE Select); coding-DNA position 3440, C replaced by A.
Protein change: p.Ser1147Tyr; replaces serine 1147 with tyrosine.
Molecular consequence: missense variant.
Genome position (GRCh38, 1-based): chr16:2,080,207, C>A. VCF-style: chr16-2080207-C-A. GRCh37 (hg19) VCF-style: chr16-2130208-C-A.
Other names: c.3308C>A, p.Ser1103Tyr (NM_001077183.3, NM_001370404.1); c.3440C>A, p.Ser1147Tyr (NM_001114382.3); c.3200C>A, p.Ser1067Tyr (NM_001318827.2); c.3164C>A, p.Ser1055Tyr (NM_001318829.2); c.2708C>A, p.Ser903Tyr (NM_001318831.2); c.3341C>A, p.Ser1114Tyr (NM_001318832.2); c.3311C>A, p.Ser1104Tyr (NM_001363528.2, NM_001370405.1, NM_021055.3); short protein forms S1103Y, S1104Y, S903Y, S1055Y, S1067Y, S1114Y, S1147Y.
Identifiers: ClinVar variation 836752 (VCV000836752.10), dbSNP rs779149155, ClinGen allele CA394288684.
Genomic context (GRCh38, chr16:2,080,207, plus strand): 5'-CTCTGCCCTCTTCTTCAGGGGGCCATGGTCTTCGAGTTGGCGCCCTGGACGTGCCGGCCT[C>A]CCAGTTCCTGGGCAGTGCCACTTCTCCAGGACCACGGACTGCACCAGCCGCGAAACCTGA-3'
Protein context (NP_000539.2, residues 1137-1157): LRVGALDVPA[Ser1147Tyr]QFLGSATSPG

ClinVar aggregate classification (germline): Uncertain significance. Review status: criteria provided, multiple submitters, no conflicts (2 of 4 stars). 2 submissions from 2 submitters: Uncertain significance (2). Last evaluated 2025-03-31.

Conditions:
Hereditary cancer-predisposing syndrome. Also called: Neoplastic Syndromes, Hereditary; Hereditary neoplastic syndrome; Tumor predisposition; Hereditary Cancer Syndrome. Identifiers: Orphanet 140162, MedGen C0027672, MeSH D009386, MONDO:0015356.
Tuberous sclerosis 2 (TSC2). Identifiers: Orphanet 805, MedGen C1860707, MONDO:0013199, OMIM 613254.

Submissions (2):

Ambry Genetics
Classification: Uncertain significance for Hereditary cancer-predisposing syndrome. Last evaluated: 2025-03-31. Review status: criteria provided, single submitter. Criteria: Ambry Variant Classification Scheme 2023. Collection method: clinical testing. Allele origin: germline.
Comment: The p.S1147Y variant (also known as c.3440C>A), located in coding exon 29 of the TSC2 gene, results from a C to A substitution at nucleotide position 3440. The serine at codon 1147 is replaced by tyrosine, an amino acid with dissimilar properties. This amino acid position is conserved. In addition, the in silico prediction for this alteration is inconclusive. Based on the available evidence, the clinical significance of this variant remains unclear.

Labcorp Genetics (formerly Invitae), Labcorp
Classification: Uncertain significance for Tuberous sclerosis 2. Last evaluated: 2019-03-16. Review status: criteria provided, single submitter. Criteria: Invitae Variant Classification Sherloc (09022015). Collection method: clinical testing. Allele origin: germline.
Comment: This variant has not been reported in the literature in individuals with TSC2-related conditions. In summary, the available evidence is currently insufficient to determine the role of this variant in disease. Therefore, it has been classified as a Variant of Uncertain Significance. Algorithms developed to predict the effect of missense changes on protein structure and function are either unavailable or do not agree on the potential impact of this missense change (SIFT: "Deleterious"; PolyPhen-2: "Benign"; Align-GVGD: "Class C15"). This variant is not present in population databases (ExAC no frequency). This sequence change replaces serine with tyrosine at codon 1147 of the TSC2 protein (p.Ser1147Tyr). The serine residue is weakly conserved and there is a large physicochemical difference between serine and tyrosine.